The following is an entry in ClinVar:

ClinVar aggregate classification (germline): Benign/Likely benign. Review status: criteria provided, multiple submitters, no conflicts (2 of 4 stars). 5 submissions from 5 submitters: Benign (3); Likely benign (2). Last evaluated 2026-01-25.

Conditions:
ALG3-congenital disorder of glycosylation. Also called: CDG Id; CONGENITAL DISORDER OF GLYCOSYLATION, TYPE Id; CARBOHYDRATE-DEFICIENT GLYCOPROTEIN SYNDROME, TYPE IV; CDGS, TYPE IV; ALG3-CDG. Identifiers: Orphanet 79321, MedGen C1832736, MONDO:0010998, OMIM 601110.

Allele frequency attached by ClinVar (database versions not stated): gnomAD exomes 0.00178; 1000 Genomes Project 0.00339; TOPMed 0.00194; ExAC 0.00178; 1000 Genomes Project 30x 0.00265.
gnomAD v4.1: 1,037 of 1,610,696 alleles (0.064%); highest among the groups gnomAD compares: East Asian, 1.7%; 13 homozygotes.

Submissions (5):

Labcorp Genetics (formerly Invitae), Labcorp
Classification: Benign for ALG3-congenital disorder of glycosylation. Last evaluated: 2026-01-25. Review status: criteria provided, single submitter. Criteria: Invitae Variant Classification Sherloc (09022015). Collection method: clinical testing. Allele origin: germline.

GeneDx
Classification: Benign. Last evaluated: 2018-02-19. Review status: criteria provided, single submitter. Criteria: GeneDx Variant Classification (06012015). Collection method: clinical testing. Allele origin: germline. Affected: yes.
Comment: This variant is considered likely benign or benign based on one or more of the following criteria: it is a conservative change, it occurs at a poorly conserved position in the protein, it is predicted to be benign by multiple in silico algorithms, and/or has population frequency not consistent with disease.

Illumina Laboratory Services, Illumina
Classification: Likely benign for ALG3-congenital disorder of glycosylation. Last evaluated: 2018-01-13. Review status: criteria provided, single submitter. Criteria: ICSL Variant Classification Criteria 13 December 2019. Collection method: clinical testing. Allele origin: germline.
Comment: This variant was observed in the ICSL laboratory as part of a predisposition screen in an ostensibly healthy population. It had not been previously curated by ICSL or reported in the Human Gene Mutation Database (HGMD: prior to June 1st, 2018), and was therefore a candidate for classification through an automated scoring system. Utilizing variant allele frequency, disease prevalence and penetrance estimates, and inheritance mode, an automated score was calculated to assess if this variant is too frequent to cause the disease. Based on the score and internal cut-off values, a variant classified as likely benign is not then subjected to further curation. The score for this variant resulted in a classification of likely benign for this disease.

Eurofins Ntd Llc (ga)
Classification: Benign. Last evaluated: 2014-02-03. Review status: criteria provided, single submitter. Criteria: EGL Classification Definitions 2015. Collection method: clinical testing. Allele origin: germline. Observed: 1 variant allele, 1 heterozygote.

Breakthrough Genomics
Classification: Likely benign. Review status: criteria provided, single submitter. Criteria: ACMG Guidelines, 2015. Collection method: not provided. Allele origin: germline. Inheritance: Autosomal recessive inheritance. Affected: yes.

NM_005787.6(ALG3):c.1271C>T (p.Pro424Leu)

Gene: ALG3 (ALG3 alpha-1,3- mannosyltransferase; minus strand). Cytogenetic location: 3q27.1.
Variant type: single nucleotide variant.
Coding change: c.1271C>T on transcript NM_005787.6 (MANE Select); coding-DNA position 1271, C replaced by T.
Protein change: p.Pro424Leu; replaces proline 424 with leucine.
Molecular consequence: missense variant. On other transcripts: non-coding transcript variant (2).
Genome position (GRCh38, 1-based): chr3:184,242,560, G>A on the plus strand (C>T on the coding strand, the complement: ALG3 is on the minus strand). VCF-style: chr3-184242560-G-A. GRCh37 (hg19) VCF-style: chr3-183960348-G-A.
Other names: c.1127C>T, p.Pro376Leu (NM_001006941.2); short protein forms P424L, P376L.
Identifiers: ClinVar variation 166676 (VCV000166676.18), dbSNP rs79144888, ClinGen allele CA179730.